The following is an entry in ClinVar:

NM_001008537.3(NEXMIF):c.262G>A (p.Glu88Lys)

Gene: NEXMIF (neurite extension and migration factor; minus strand). Cytogenetic location: Xq13.3.
Variant type: single nucleotide variant.
Coding change: c.262G>A on transcript NM_001008537.3 (MANE Select); coding-DNA position 262, G replaced by A.
Protein change: p.Glu88Lys; replaces glutamic acid 88 with lysine.
Molecular consequence: missense variant.
Genome position (GRCh38, 1-based): chrX:74,744,295, C>T on the plus strand (G>A on the coding strand, the complement: NEXMIF is on the minus strand). VCF-style: chrX-74744295-C-T. GRCh37 (hg19) VCF-style: chrX-73964130-C-T.
Other names: short protein forms E88K.
Identifiers: ClinVar variation 661345 (VCV000661345.37), dbSNP rs927047621, ClinGen allele CA331301819.

ClinVar aggregate classification (germline): Conflicting classifications of pathogenicity. Review status: criteria provided, conflicting classifications (1 of 4 stars). 3 submissions from 3 submitters: Uncertain significance (2); Likely benign (1). Last evaluated 2026-01-19.

Conditions:
Inborn genetic diseases. Identifiers: MedGen C0950123, MeSH D030342.

Allele frequency attached by ClinVar (database versions not stated): TOPMed 0.00003; gnomAD 0.00004; gnomAD exomes 0.00001.
gnomAD v4.1: 16 of 1,209,351 alleles (0.0013%); highest among the groups gnomAD compares: Middle Eastern, 0.023%; no homozygotes.

Submissions (3):

Labcorp Genetics (formerly Invitae), Labcorp
Classification: Uncertain significance. Last evaluated: 2026-01-19. Review status: criteria provided, single submitter. Criteria: Invitae Variant Classification Sherloc (09022015). Collection method: clinical testing. Allele origin: germline.
Comment: This sequence change replaces glutamic acid, which is acidic and polar, with lysine, which is basic and polar, at codon 88 of the NEXMIF protein (p.Glu88Lys). This variant is not present in population databases (gnomAD no frequency). This variant has not been reported in the literature in individuals affected with NEXMIF-related conditions. ClinVar contains an entry for this variant (Variation ID: 661345). An algorithm developed to predict the effect of missense changes on protein structure and function (PolyPhen-2) suggests that this variant is likely to be disruptive. In summary, the available evidence is currently insufficient to determine the role of this variant in disease. Therefore, it has been classified as a Variant of Uncertain Significance.

CeGaT Center for Human Genetics Tuebingen
Classification: Likely benign. Last evaluated: 2023-09-01. Review status: criteria provided, single submitter. Criteria: CeGaT Center For Human Genetics Tuebingen Variant Classification Criteria Version 2. Collection method: clinical testing. Allele origin: germline. Affected: yes. Observed: 1 variant allele.
Comment: NEXMIF: BP4

Ambry Genetics
Classification: Uncertain significance for Inborn genetic diseases. Last evaluated: 2018-09-21. Review status: criteria provided, single submitter. Criteria: Ambry exome assertion method (8-5-2015). Collection method: clinical testing. Allele origin: germline. Affected: yes. Observed: 1 variant allele.